The following is an entry in ClinVar:

ClinVar aggregate classification (germline): Pathogenic (1 of 4 stars; one submission).

Conditions:
Glycogen storage disease type III (GSD3). Also called: FORBES DISEASE; Cori disease. Identifiers: Orphanet 366, MedGen C0017922, MONDO:0009291, OMIM 232400.

Submission:

Myriad Genetics, Inc.
Classification: Pathogenic for Glycogen storage disease type III. Last evaluated: 2023-09-08. Review status: criteria provided, single submitter. Criteria: Myriad Autosomal Dominant, Autosomal Recessive and X-Linked Classification Criteria (2023). Collection method: clinical testing. Allele origin: unknown.
Comment: NM_000642.2(AGL):c.2245delA(T749Lfs*27) is expected to be pathogenic in the context of glycogen storage disease type III. This variant is predicted to lead to an abnormal or absent protein product due to the creation of a premature termination codon in AGL, a gene where loss-of-function variants are known to be pathogenic. Please note: this variant was assessed in the context of healthy population screening.

NM_000642.3(AGL):c.2245del (p.Thr749fs)

Gene: AGL (amylo-alpha-1,6-glucosidase and 4-alpha-glucanotransferase; plus strand). Cytogenetic location: 1p21.2.
Variant type: Deletion.
Coding change: c.2245del on transcript NM_000642.3 (MANE Select); coding-DNA position 2245, one base deleted (A; older notation c.2245delA).
Protein change: p.Thr749fs; shifts the reading frame from threonine 749.
Molecular consequence: frameshift variant.
Genome position (GRCh38, 1-based): chr1:99,881,628, A deleted; the last of 2 consecutive A bases (chr1:99,881,627-99,881,628); deleting either gives the same sequence. VCF-style (leftmost placement, unchanged base first): chr1-99881626-GA-G. GRCh37 (hg19) VCF-style: chr1-100347182-GA-G.
Other names: c.2245del, p.Thr749fs (NM_000028.3, NM_000643.3, NM_000644.3 and 2 more transcripts); c.2197del, p.Thr733fs (NM_000646.3); c.2044del, p.Thr682fs (NM_001425327.1); c.2041del, p.Thr681fs (NM_001425328.1, NM_001425329.1); c.1867del, p.Thr623fs (NM_001425332.1); short protein forms T623fs, T681fs, T682fs, T733fs, T749fs.
Identifiers: ClinVar variation 5011608 (VCV005011608.1).